The following is an entry in ClinVar:

ClinVar aggregate classification (germline): Pathogenic. Review status: criteria provided, single submitter (1 of 4 stars). 2 submissions from 2 submitters: Pathogenic (1). 1 of the submissions does not count toward it. Last evaluated 2026-03-19.

Conditions:
Mitochondrial DNA depletion syndrome 1. Also called: Mitochondrial neurogastrointestinal encephalomyopathy syndrome; Mitochondrial Neurogastrointestinal Encephalopathy Disease; MITOCHONDRIAL NEUROGASTROINTESTINAL ENCEPHALOPATHY SYNDROME, TYMP-RELATED; POLIP SYNDROME; POLYNEUROPATHY, OPHTHALMOPLEGIA, LEUKOENCEPHALOPATHY, AND INTESTINAL PSEUDOOBSTRUCTION; MNGIE, TYMP-RELATED. Identifiers: Orphanet 298, MedGen C4551995, MONDO:0011283, OMIM 603041.

Allele frequency attached by ClinVar (database versions not stated): gnomAD exomes below 0.00001.

Submissions (2):

Myriad Genetics, Inc.
Classification: Pathogenic for Mitochondrial DNA depletion syndrome 1. Last evaluated: 2026-03-19. Review status: criteria provided, single submitter. Criteria: Myriad Autosomal Dominant, Autosomal Recessive and X-Linked Classification Criteria (2023). Collection method: clinical testing. Allele origin: unknown.
Comment: NM_001953.4(TYMP):c.328C>T(Q110*) is expected to be pathogenic in the context of mitochondrial neurogastrointestinal encephalopathy disease. This variant is predicted to lead to an abnormal or absent protein product due to the creation of a premature termination codon in TYMP, a gene where loss-of-function variants are known to be pathogenic. Please note: this variant was assessed in the context of healthy population screening.

GeneReviews
Classification: Pathogenic for Mitochondrial DNA depletion syndrome 1. Last evaluated: 2016-01-14. Review status: no assertion criteria provided. Collection method: literature only. Allele origin: germline. Affected: yes. Not counted in ClinVar's aggregate classification.

Literature cited by the submitters: PubMed 21933806 (cited by GeneReviews).

NM_001953.5(TYMP):c.328C>T (p.Gln110Ter)

Gene: TYMP (thymidine phosphorylase; minus strand). Cytogenetic location: 22q13.33.
Variant type: single nucleotide variant.
Coding change: c.328C>T on transcript NM_001953.5 (MANE Select); coding-DNA position 328, C replaced by T.
Protein change: p.Gln110Ter; replaces glutamine 110 with a stop codon.
Molecular consequence: nonsense.
Genome position (GRCh38, 1-based): chr22:50,529,225, G>A on the plus strand (C>T on the coding strand, the complement: TYMP is on the minus strand). VCF-style: chr22-50529225-G-A. GRCh37 (hg19) VCF-style: chr22-50967654-G-A.
Other names: Gln>Ter; c.328C>T, p.Gln110Ter (LRG_727t2, LRG_727t1, NM_001113755.3 and 3 more transcripts); short protein forms Q110*.
Identifiers: ClinVar variation 223023 (VCV000223023.2), dbSNP rs1064792860, ClinGen allele CA16616775.
Genomic context (GRCh38, chr22:50,529,225, plus strand): 5'-CGAGGACCAGGCTGACCTTGTCACCCACACCCCCTGTGGAATGCTTGTCCACAAGCTGCT[G>A]GCGCCAGGCCTCTGGCCACTCCAGCTGCTGTCCCGACTGAGCCAGGGCCTGGGTCAGCAC-3'